The following is an entry in ClinVar:

ClinVar aggregate classification (germline): Likely pathogenic (1 of 4 stars; one submission).

Conditions:
MPI-congenital disorder of glycosylation. Also called: MPI-CDG; CDG Ib; PROTEIN-LOSING ENTEROPATHY-HEPATIC FIBROSIS SYNDROME; MANNOSEPHOSPHATE ISOMERASE DEFICIENCY; CONGENITAL DISORDER OF GLYCOSYLATION, TYPE Ib; MPI DEFICIENCY. Identifiers: Orphanet 79319, MedGen C1865145, MONDO:0011257, OMIM 602579.

Submission:

Labcorp Genetics (formerly Invitae), Labcorp
Classification: Likely pathogenic for MPI-congenital disorder of glycosylation. Last evaluated: 2023-11-18. Review status: criteria provided, single submitter. Criteria: Invitae Variant Classification Sherloc (09022015). Collection method: clinical testing. Allele origin: germline.
Comment: This sequence change affects a donor splice site in intron 2 of the MPI gene. It is expected to disrupt RNA splicing. Variants that disrupt the donor or acceptor splice site typically lead to a loss of protein function (PMID: 16199547), and loss-of-function variants in MPI are known to be pathogenic (PMID: 19862844). This variant is not present in population databases (gnomAD no frequency). This variant has not been reported in the literature in individuals affected with MPI-related conditions. Algorithms developed to predict the effect of sequence changes on RNA splicing suggest that this variant may disrupt the consensus splice site. In summary, the currently available evidence indicates that the variant is pathogenic, but additional data are needed to prove that conclusively. Therefore, this variant has been classified as Likely Pathogenic.

Literature cited by the submitters: PubMed 16199547; PubMed 19862844.

NM_002435.3(MPI):c.144+1G>A

Gene: MPI (mannose phosphate isomerase; plus strand). Cytogenetic location: 15q24.1.
Variant type: single nucleotide variant.
Coding change: c.144+1G>A on transcript NM_002435.3 (MANE Select); the canonical splice donor site of the intron after coding-DNA position 144, G replaced by A.
Molecular consequence: splice donor variant. On other transcripts: intron variant (1).
Genome position (GRCh38, 1-based): chr15:74,890,655, G>A. VCF-style: chr15-74890655-G-A. GRCh37 (hg19) VCF-style: chr15-75182996-G-A.
Other names: c.84+1G>A (NM_001330372.2); c.144+1G>A (NM_001289155.2, NM_001289157.2); c.-7+566G>A (NM_001289156.2).
Identifiers: ClinVar variation 2896452 (VCV002896452.3), dbSNP rs2505811612, ClinGen allele CA393169772.